The following is an entry in ClinVar:

NM_001371727.1(GABRB2):c.625C>G (p.Gln209Glu)

Gene: GABRB2 (gamma-aminobutyric acid type A receptor subunit beta2; minus strand). Cytogenetic location: 5q34.
Variant type: single nucleotide variant.
Coding change: c.625C>G on transcript NM_001371727.1 (MANE Select); coding-DNA position 625, C replaced by G.
Protein change: p.Gln209Glu; replaces glutamine 209 with glutamic acid.
Molecular consequence: missense variant.
Genome position (GRCh38, 1-based): chr5:161,336,686, G>C on the plus strand (C>G on the coding strand, the complement: GABRB2 is on the minus strand). VCF-style: chr5-161336686-G-C. GRCh37 (hg19) VCF-style: chr5-160763693-G-C.
Other names: c.625C>G, p.Gln209Glu (NM_000813.3, NM_021911.3); short protein forms Q209E.
Identifiers: ClinVar variation 533529 (VCV000533529.9), dbSNP rs1554094279, ClinGen allele CA362171950.
Genomic context (GRCh38, chr5:161,336,686, plus strand): 5'-ACAAACCTGTGGAAAAAACAACCTTCTTGGTGATAAGTTTGTAATCTACAATAGAGAACT[G>C]TGGAAGTTCAATTTTCGTTACTCCTGTTACTGCATTATCATCGCCACGCCAGTAAAACTC-3'
Protein context (NP_001358656.1, residues 199-219): VTGVTKIELP[Gln209Glu]FSIVDYKLIT

ClinVar aggregate classification (germline): Uncertain significance (1 of 4 stars; one submission).

Conditions:
Intellectual disability. Also called: Intellectual functioning disability; intellectual disabilities; Intellectual developmental disorder. Identifiers: MedGen C3714756, MeSH D008607, MONDO:0001071, HP:0001249.

Submission:

Labcorp Genetics (formerly Invitae), Labcorp
Classification: Uncertain significance for Intellectual disability. Last evaluated: 2020-03-04. Review status: criteria provided, single submitter. Criteria: Invitae Variant Classification Sherloc (09022015). Collection method: clinical testing. Allele origin: germline.
Comment: This sequence change replaces glutamine with glutamic acid at codon 209 of the GABRB2 protein (p.Gln209Glu). The glutamine residue is highly conserved and there is a small physicochemical difference between glutamine and glutamic acid. This variant is not present in population databases (ExAC no frequency). This variant has not been reported in the literature in individuals with GABRB2-related disease. Algorithms developed to predict the effect of missense changes on protein structure and function (SIFT, PolyPhen-2, Align-GVGD) all suggest that this variant is likely to be disruptive, but these predictions have not been confirmed by published functional studies and their clinical significance is uncertain. Algorithms developed to predict the effect of sequence changes on RNA splicing suggest that this variant may create or strengthen a splice site, but this prediction has not been confirmed by published transcriptional studies. In summary, the available evidence is currently insufficient to determine the role of this variant in disease. Therefore, it has been classified as a Variant of Uncertain Significance.